The following is an entry in ClinVar:

NM_017946.4(FKBP14):c.349+16T>G

Genes: FKBP14 (FKBP prolyl isomerase 14; minus strand), FKBP14-AS1 (FKBP14 antisense RNA 1; plus strand). Cytogenetic location: 7p14.3.
Variant type: single nucleotide variant.
Coding change: c.349+16T>G on transcript NM_017946.4 (MANE Select); 16 bases into the intron after coding-DNA position 349, T replaced by G.
Molecular consequence: intron variant.
Genome position (GRCh38, 1-based): chr7:30,022,649, A>C on the plus strand (T>G on the coding strand, the complement: FKBP14 is on the minus strand). VCF-style: chr7-30022649-A-C. GRCh37 (hg19) VCF-style: chr7-30062265-A-C.
Identifiers: ClinVar variation 511464 (VCV000511464.15), dbSNP rs112323392, ClinGen allele CA4203431.

ClinVar aggregate classification (germline): Benign/Likely benign. Review status: criteria provided, multiple submitters, no conflicts (2 of 4 stars). 4 submissions from 4 submitters: Benign (1); Likely benign (3). Last evaluated 2026-04-07.

Conditions:
Ehlers-Danlos syndrome, kyphoscoliotic type, 2. Also called: Ehlers-Danlos syndrome with progressive kyphoscoliosis, myopathy, and hearing loss; Ehlers-Danlos syndrome, kyphoscoliotic and deafness type; FKBP14-Kyphoscoliotic Ehlers-Danlos Syndrome. Identifiers: Orphanet 300179, MedGen C3281160, MONDO:0013800, OMIM 614557.

Allele frequency attached by ClinVar (database versions not stated): gnomAD exomes 0.00023 and 0.00071; ExAC 0.00085; ESP Exome Variant Server 0.00254; gnomAD 0.00257 and 0.00272; TOPMed 0.00276; 1000 Genomes Project 0.00339; 1000 Genomes Project 30x 0.00375.

Submissions (4):

Women's Health and Genetics/Laboratory Corporation of America, LabCorp
Classification: Likely benign. Last evaluated: 2026-04-07. Review status: criteria provided, single submitter. Criteria: LabCorp Variant Classification Summary - May 2015. Collection method: clinical testing. Allele origin: germline.

Labcorp Genetics (formerly Invitae), Labcorp
Classification: Benign for Ehlers-Danlos syndrome, kyphoscoliotic type, 2. Last evaluated: 2026-02-02. Review status: criteria provided, single submitter. Criteria: Invitae Variant Classification Sherloc (09022015). Collection method: clinical testing. Allele origin: germline.

Blueprint Genetics
Classification: Likely benign. Last evaluated: 2024-08-20. Review status: criteria provided, single submitter. Criteria: ACMG Guidelines, 2015. Collection method: clinical testing. Allele origin: germline.

GeneDx
Classification: Likely benign. Last evaluated: 2017-08-15. Review status: criteria provided, single submitter. Criteria: GeneDx Variant Classification (06012015). Collection method: clinical testing. Allele origin: germline. Affected: yes.
Comment: This variant is considered likely benign or benign based on one or more of the following criteria: it is a conservative change, it occurs at a poorly conserved position in the protein, it is predicted to be benign by multiple in silico algorithms, and/or has population frequency not consistent with disease.